The following is an entry in ClinVar:

ClinVar aggregate classification (germline): Conflicting classifications of pathogenicity. Review status: criteria provided, conflicting classifications (1 of 4 stars). 6 submissions from 6 submitters: Uncertain significance (4); Likely benign (2). Last evaluated 2025-08-23.

Conditions:
3M syndrome 2. Also called: 3-M Syndrome, OBSL1-Related; THREE M SYNDROME 2. Identifiers: Orphanet 2616, MedGen C2752041, MONDO:0013039, OMIM 612921.
Inborn genetic diseases. Identifiers: MedGen C0950123, MeSH D030342.

Allele frequency attached by ClinVar (database versions not stated): gnomAD 0.00008 and 0.00010; TOPMed 0.00008; gnomAD exomes 0.00039; 1000 Genomes Project 0.00040; 1000 Genomes Project 30x 0.00062; ExAC 0.00065.

Submissions (6):

Ambry Genetics
Classification: Uncertain significance for Inborn genetic diseases. Last evaluated: 2025-08-23. Review status: criteria provided, single submitter. Criteria: Ambry Variant Classification Scheme 2023. Collection method: clinical testing. Allele origin: germline.

Women's Health and Genetics/Laboratory Corporation of America, LabCorp
Classification: Likely benign. Last evaluated: 2025-01-27. Review status: criteria provided, single submitter. Criteria: LabCorp Variant Classification Summary - May 2015. Collection method: clinical testing. Allele origin: germline.
Comment: Variant summary: OBSL1 c.397G>C (p.Gly133Arg) results in a non-conservative amino acid change in the encoded protein sequence. Three of five in-silico tools predict a benign effect of the variant on protein function. The variant allele was found at a frequency of 0.00039 in 94816 control chromosomes, predominantly at a frequency of 0.0012 within the South Asian subpopulation in the gnomAD database. The observed variant frequency within South Asian control individuals in the gnomAD database is approximately 1.073 fold of the estimated maximal expected allele frequency for a pathogenic variant in OBSL1 causing Three M Syndrome 2 phenotype (0.0011). To our knowledge, no occurrence of c.397G>C in individuals affected with Three M Syndrome 2 and no experimental evidence demonstrating its impact on protein function have been reported. ClinVar contains an entry for this variant (Variation ID: 287490). Based on the evidence outlined above, the variant was classified as likely benign.

Blueprint Genetics
Classification: Uncertain significance. Last evaluated: 2024-11-21. Review status: criteria provided, single submitter. Criteria: ACMG Guidelines, 2015. Collection method: clinical testing. Allele origin: germline.

Labcorp Genetics (formerly Invitae), Labcorp
Classification: Uncertain significance. Last evaluated: 2022-08-23. Review status: criteria provided, single submitter. Criteria: Invitae Variant Classification Sherloc (09022015). Collection method: clinical testing. Allele origin: germline.
Comment: This sequence change replaces glycine, which is neutral and non-polar, with arginine, which is basic and polar, at codon 133 of the OBSL1 protein (p.Gly133Arg). This variant is present in population databases (rs556207267, gnomAD 0.1%). This variant has not been reported in the literature in individuals affected with OBSL1-related conditions. ClinVar contains an entry for this variant (Variation ID: 287490). Algorithms developed to predict the effect of missense changes on protein structure and function are either unavailable or do not agree on the potential impact of this missense change (SIFT: "Tolerated"; PolyPhen-2: "Possibly Damaging"; Align-GVGD: "Class C0"). In summary, the available evidence is currently insufficient to determine the role of this variant in disease. Therefore, it has been classified as a Variant of Uncertain Significance.

Illumina Laboratory Services, Illumina
Classification: Likely benign for 3M syndrome 2. Last evaluated: 2018-01-12. Review status: criteria provided, single submitter. Criteria: ICSL Variant Classification Criteria 13 December 2019. Collection method: clinical testing. Allele origin: germline.
Comment: This variant was observed in the ICSL laboratory as part of a predisposition screen in an ostensibly healthy population. It had not been previously curated by ICSL or reported in the Human Gene Mutation Database (HGMD: prior to June 1st, 2018), and was therefore a candidate for classification through an automated scoring system. Utilizing variant allele frequency, disease prevalence and penetrance estimates, and inheritance mode, an automated score was calculated to assess if this variant is too frequent to cause the disease. Based on the score and internal cut-off values, a variant classified as likely benign is not then subjected to further curation. The score for this variant resulted in a classification of likely benign for this disease.

Eurofins Ntd Llc (ga)
Classification: Uncertain significance. Last evaluated: 2016-05-03. Review status: criteria provided, single submitter. Criteria: EGL Classification Definitions 2015. Collection method: clinical testing. Allele origin: germline. Observed: 1 variant allele, 1 heterozygote.

NM_015311.3(OBSL1):c.397G>C (p.Gly133Arg)

Gene: OBSL1 (obscurin like cytoskeletal adaptor 1; minus strand). Cytogenetic location: 2q35.
Variant type: single nucleotide variant.
Coding change: c.397G>C on transcript NM_015311.3 (MANE Select); coding-DNA position 397, G replaced by C.
Protein change: p.Gly133Arg; replaces glycine 133 with arginine.
Molecular consequence: missense variant.
Genome position (GRCh38, 1-based): chr2:219,570,836, C>G on the plus strand (G>C on the coding strand, the complement: OBSL1 is on the minus strand). VCF-style: chr2-219570836-C-G. GRCh37 (hg19) VCF-style: chr2-220435558-C-G.
Other names: c.397G>C, p.Gly133Arg (NM_001173408.2, NM_001173431.2); short protein forms G133R.
Identifiers: ClinVar variation 287490 (VCV000287490.16), dbSNP rs556207267, ClinGen allele CA2131803.